The following is an entry in ClinVar:

NM_001164508.2(NEB):c.21212A>C (p.Lys7071Thr)

Gene: NEB (nebulin; minus strand). Cytogenetic location: 2q23.3.
Variant type: single nucleotide variant.
Coding change: c.21212A>C on transcript NM_001164508.2 (MANE Select); coding-DNA position 21212, A replaced by C.
Protein change: p.Lys7071Thr; replaces lysine 7071 with threonine.
Molecular consequence: missense variant.
Genome position (GRCh38, 1-based): chr2:151,535,791, T>G on the plus strand (A>C on the coding strand, the complement: NEB is on the minus strand). VCF-style: chr2-151535791-T-G. GRCh37 (hg19) VCF-style: chr2-152392305-T-G.
Other names: c.21212A>C, p.Lys7071Thr (NM_001164507.2, NM_001271208.2); c.16109A>C, p.Lys5370Thr (NM_004543.5); short protein forms K5370T, K7071T.
Identifiers: ClinVar variation 2182254 (VCV002182254.1), dbSNP rs2093050726, ClinGen allele CA348773228.
Genomic context (GRCh38, chr2:151,535,791, plus strand): 5'-ATCGGAGAGTCGGCAACATACTTGAAATCTGACTTTGTCCTTTCAAATACTTCTTTATAC[T>G]TATACTAGAAAAAACAGAACATGGTTACTTGACAGCAGGCTATGATTATCTTAAGAATGA-3'
Protein context (NP_001157980.2, residues 7061-7081): EKNKTLYSKY[Lys7071Thr]YKEVFERTKS

ClinVar aggregate classification (germline): Uncertain significance (1 of 4 stars; one submission).

Conditions:
Nemaline myopathy 2 (NEM2). Also called: Nemaline myopathy 2, autosomal recessive. Identifiers: MedGen C1850569, MONDO:0009725, OMIM 256030.

gnomAD v4.1: 4 of 1,567,626 alleles (0.00026%); highest among the groups gnomAD compares: Middle Eastern, 0.017%; no homozygotes.

Submission:

Labcorp Genetics (formerly Invitae), Labcorp
Classification: Uncertain significance for Nemaline myopathy 2. Last evaluated: 2022-01-13. Review status: criteria provided, single submitter. Criteria: Invitae Variant Classification Sherloc (09022015). Collection method: clinical testing. Allele origin: germline.
Comment: This sequence change replaces lysine, which is basic and polar, with threonine, which is neutral and polar, at codon 7071 of the NEB protein (p.Lys7071Thr). This variant is not present in population databases (gnomAD no frequency). This variant has not been reported in the literature in individuals affected with NEB-related conditions. Algorithms developed to predict the effect of missense changes on protein structure and function are either unavailable or do not agree on the potential impact of this missense change (SIFT: "Deleterious"; PolyPhen-2: "Not Available"; Align-GVGD: "Class C0"). In summary, the available evidence is currently insufficient to determine the role of this variant in disease. Therefore, it has been classified as a Variant of Uncertain Significance.